The following is an entry in ClinVar:

NM_001365951.3(KIF1B):c.3260-4T>A

Gene: KIF1B (kinesin family member 1B; plus strand). Cytogenetic location: 1p36.22.
Variant type: single nucleotide variant.
Coding change: c.3260-4T>A on transcript NM_001365951.3 (MANE Select); 4 bases into the intron before coding-DNA position 3260, T replaced by A.
Molecular consequence: intron variant.
Genome position (GRCh38, 1-based): chr1:10,337,367, T>A. VCF-style: chr1-10337367-T-A. GRCh37 (hg19) VCF-style: chr1-10397425-T-A.
Other names: c.3122-4T>A (NM_015074.3); c.3260-4T>A (NM_001365952.1).
Identifiers: ClinVar variation 5040247 (VCV005040247.1).
Genomic context (GRCh38, chr1:10,337,367, plus strand): 5'-CATGCCCAACTCCCTCCTCTTTGCATTATTTGAACCATCTGTGTCTTCATTTGACCCTCT[T>A]TAGATTTGAAGTCAAGCACTTTGCTGGATGGTAAGATGGTAATGGAAGGGTTTTCTGAAG-3'

ClinVar aggregate classification (germline): Uncertain significance (1 of 4 stars; one submission).

Submission:

CeGaT Center for Human Genetics Tuebingen
Classification: Uncertain significance. Last evaluated: 2026-07-01. Review status: criteria provided, single submitter. Criteria: CeGaT Center For Human Genetics Tuebingen Variant Classification Criteria Version 2. Collection method: clinical testing. Allele origin: germline. Affected: yes. Observed: 1 variant allele.
Comment: KIF1B: PM2, BP4